The following is an entry in ClinVar:

NM_130384.3(ATRIP):c.142C>T (p.Pro48Ser)

Genes: ATRIP (ATR interacting protein; plus strand), ATRIP-TREX1 (ATRIP-TREX1 readthrough; plus strand), LOC129936703 (ATAC-STARR-seq lymphoblastoid silent region 14331; plus strand). Cytogenetic location: 3p21.31.
Variant type: single nucleotide variant.
Coding change: c.142C>T on transcript NM_130384.3 (MANE Select); coding-DNA position 142, C replaced by T.
Protein change: p.Pro48Ser; replaces proline 48 with serine.
Molecular consequence: missense variant. On other transcripts: non-coding transcript variant (1), intron variant (1).
Genome position (GRCh38, 1-based): chr3:48,446,987, C>T. VCF-style: chr3-48446987-C-T. GRCh37 (hg19) VCF-style: chr3-48488391-C-T.
Other names: c.142C>T, p.Pro48Ser (NM_032166.4); c.-218+188C>T (NM_001271022.2); short protein forms P48S.
Identifiers: ClinVar variation 3975815 (VCV003975815.1).

ClinVar aggregate classification (germline): Uncertain significance (1 of 4 stars; one submission).

gnomAD v4.1: 3 of 1,574,554 alleles (0.00019%); highest among the groups gnomAD compares: Admixed American, 0.0018%; no homozygotes.

Submission:

Ambry Genetics
Classification: Uncertain significance. Last evaluated: 2025-03-30. Review status: criteria provided, single submitter. Criteria: Ambry Variant Classification Scheme 2023. Collection method: clinical testing. Allele origin: germline.
Comment: The p.P48S variant (also known as c.142C>T), located in coding exon 1 of the ATRIP gene, results from a C to T substitution at nucleotide position 142. The proline at codon 48 is replaced by serine, an amino acid with similar properties. This amino acid position is conserved. In addition, this alteration is predicted to be tolerated by in silico analysis. Based on the available evidence, the clinical significance of this variant remains unclear.